The following is an entry in ClinVar:

NM_006206.6(PDGFRA):c.1534C>T (p.Arg512Ter)

Gene: PDGFRA (platelet derived growth factor receptor alpha; plus strand). Cytogenetic location: 4q12.
Variant type: single nucleotide variant.
Coding change: c.1534C>T on transcript NM_006206.6 (MANE Select); coding-DNA position 1534, C replaced by T.
Protein change: p.Arg512Ter; replaces arginine 512 with a stop codon.
Molecular consequence: nonsense.
Genome position (GRCh38, 1-based): chr4:54,273,706, C>T. VCF-style: chr4-54273706-C-T. GRCh37 (hg19) VCF-style: chr4-55139873-C-T.
Other names: c.1534C>T, p.Arg512Ter (NM_001347827.2, NM_001347829.2); c.1609C>T, p.Arg537Ter (NM_001347828.2); c.1573C>T, p.Arg525Ter (NM_001347830.2); c.1534C>T (NM_006206.4); short protein forms R512*, R525*, R537*.
Identifiers: ClinVar variation 1422059 (VCV001422059.7), dbSNP rs866988382, ClinGen allele CA96858896.
Genomic context (GRCh38, chr4:54,273,706, plus strand): 5'-AAAGTGGAGGAGACCATCGCCGTGCGATGCCTGGCTAAGAATCTCCTTGGAGCTGAGAAC[C>T]GAGAGCTGAAGCTGGTGGCTCCCAGTGAGTTCCTCAACAGTCAGGACAACTCATCAGCTG-3'

ClinVar aggregate classification (germline): Uncertain significance. Review status: criteria provided, multiple submitters, no conflicts (2 of 4 stars). 2 submissions from 2 submitters: Uncertain significance (2). Last evaluated 2025-05-23.

Conditions:
Hereditary cancer-predisposing syndrome. Also called: Tumor predisposition; Hereditary Cancer Syndrome; Hereditary neoplastic syndrome; Neoplastic Syndromes, Hereditary. Identifiers: Orphanet 140162, MedGen C0027672, MeSH D009386, MONDO:0015356.
Gastrointestinal stromal tumor. Also called: Gastrointestinal stroma tumor; Gastrointestinal stromal tumor, somatic. Identifiers: Orphanet 44890, MedGen C0238198, MeSH D046152, MONDO:0011719, OMIM 606764, HP:0100723.

gnomAD v4.1: 4 of 1,613,610 alleles (0.00025%); highest among the groups gnomAD compares: East Asian, 0.0022%; no homozygotes.

Submissions (2):

Ambry Genetics
Classification: Uncertain significance for Hereditary cancer-predisposing syndrome. Last evaluated: 2025-05-23. Review status: criteria provided, single submitter. Criteria: Ambry Variant Classification Scheme 2023. Collection method: clinical testing. Allele origin: germline.
Comment: The p.R512* variant (also known as c.1534C>T), located in coding exon 9 of the PDGFRA gene, results from a C to T substitution at nucleotide position 1534. This changes the amino acid from an arginine to a stop codon within coding exon 9. This alteration is expected to result in protein truncation or nonsense-mediated mRNA decay. However, loss of function of PDGFRA has not been established as a mechanism of disease. Based on the available evidence, the clinical significance of this alteration remains unclear.

Labcorp Genetics (formerly Invitae), Labcorp
Classification: Uncertain significance for Gastrointestinal stromal tumor. Last evaluated: 2024-11-11. Review status: criteria provided, single submitter. Criteria: Invitae Variant Classification Sherloc (09022015). Collection method: clinical testing. Allele origin: germline.
Comment: This sequence change creates a premature translational stop signal (p.Arg512*) in the PDGFRA gene. It is expected to result in an absent or disrupted protein product. However, the current clinical and genetic evidence is not sufficient to establish whether loss-of-function variants in PDGFRA cause disease. This variant is not present in population databases (gnomAD no frequency). This variant has not been reported in the literature in individuals affected with PDGFRA-related conditions. ClinVar contains an entry for this variant (Variation ID: 1422059). In summary, the available evidence is currently insufficient to determine the role of this variant in disease. Therefore, it has been classified as a Variant of Uncertain Significance.